The following is an entry in ClinVar:

ClinVar aggregate classification (germline): Pathogenic (1 of 4 stars; one submission).

Conditions:
Autosomal recessive early-onset Parkinson disease 6 (PARK6). Also called: PARKINSON DISEASE 6, MODIFIER OF; PINK1-Related Parkinson Disease; PINK1 Type of Young-Onset Parkinson Disease; PARKINSON DISEASE 6, EARLY-ONSET. Identifiers: Orphanet 2828, MedGen C1853833, MONDO:0011613, OMIM 605909.

Allele frequency attached by ClinVar (database versions not stated): gnomAD exomes 0.00001.

Submission:

Labcorp Genetics (formerly Invitae), Labcorp
Classification: Pathogenic for Autosomal recessive early-onset Parkinson disease 6. Last evaluated: 2018-04-18. Review status: criteria provided, single submitter. Criteria: Invitae Variant Classification Sherloc (09022015). Collection method: clinical testing. Allele origin: germline.
Comment: This sequence change creates a premature translational stop signal (p.Ala200Aspfs*21) in the PINK1 gene. It is expected to result in an absent or disrupted protein product. This variant is not present in population databases (ExAC no frequency). This variant has not been reported in the literature in individuals with PINK1-related disease. Loss-of-function variants in PINK1 are known to be pathogenic (PMID: 15087508, 15349870). For these reasons, this variant has been classified as Pathogenic.

Literature cited by the submitters: PubMed 15087508; PubMed 15349870.

NM_032409.3(PINK1):c.599del (p.Ala200fs)

Gene: PINK1 (PTEN induced kinase 1; plus strand). Cytogenetic location: 1p36.12.
Variant type: Deletion.
Coding change: c.599del on transcript NM_032409.3 (MANE Select); coding-DNA position 599, one base deleted (C; older notation c.599delC).
Protein change: p.Ala200fs; shifts the reading frame from alanine 200.
Molecular consequence: frameshift variant.
Genome position (GRCh38, 1-based): chr1:20,638,053, C deleted. VCF-style (leftmost placement, unchanged base first): chr1-20638052-GC-G. GRCh37 (hg19) VCF-style: chr1-20964545-GC-G.
Other names: short protein forms A200fs.
Identifiers: ClinVar variation 581272 (VCV000581272.7), dbSNP rs1557561340, ClinGen allele CA891842427.
Genomic context (GRCh38, chr1:20,638,052, plus strand): 5'-CAGAACCTGGAGGTGACAAAGAGCACCGGGTTGCTTCCAGGGAGAGGCCCAGGTACCAGT[GC>G]ACCAGGAGAAGGGCAGGAGCGAGCTCCGGGGGCCCCTGCCTTCCCCTTGGCCATCAAGAT-3'